The following is an entry in ClinVar:

ClinVar aggregate classification (germline): Conflicting classifications of pathogenicity. Review status: criteria provided, conflicting classifications (1 of 4 stars). 3 submissions from 3 submitters: Uncertain significance (2); Likely benign (1). Last evaluated 2025-11-26.

Conditions:
Treacher Collins syndrome 1 (TCS1). Also called: TCOF1-Related Treacher Collins Syndrome. Identifiers: Orphanet 861, MedGen CN315775, MONDO:0007944, OMIM 154500.
Inborn genetic diseases. Identifiers: MedGen C0950123, MeSH D030342.

Allele frequency attached by ClinVar (database versions not stated): gnomAD exomes 0.00001; gnomAD 0.00003; TOPMed 0.00003; ESP Exome Variant Server 0.00008; 1000 Genomes Project 30x 0.00016.
gnomAD v4.1: 18 of 1,614,186 alleles (0.0011%); highest among the groups gnomAD compares: African/African-American, 0.0053%; no homozygotes.

Submissions (3):

Ambry Genetics
Classification: Uncertain significance for Inborn genetic diseases. Last evaluated: 2025-11-26. Review status: criteria provided, single submitter. Criteria: Ambry Variant Classification Scheme 2023. Collection method: clinical testing. Allele origin: germline.

Laboratory of Genetics, Children's Clinical University Hospital Latvia
Classification: Likely benign. Last evaluated: 2025-02-16. Review status: criteria provided, single submitter. Criteria: ACMG Guidelines, 2015. Collection method: clinical testing. Allele origin: germline. Affected: yes.

Labcorp Genetics (formerly Invitae), Labcorp
Classification: Uncertain significance for Treacher Collins syndrome 1. Last evaluated: 2024-11-18. Review status: criteria provided, single submitter. Criteria: Invitae Variant Classification Sherloc (09022015). Collection method: clinical testing. Allele origin: germline.
Comment: This sequence change replaces glutamic acid, which is acidic and polar, with lysine, which is basic and polar, at codon 937 of the TCOF1 protein (p.Glu937Lys). This variant is present in population databases (rs372917861, gnomAD 0.01%). This variant has not been reported in the literature in individuals affected with TCOF1-related conditions. ClinVar contains an entry for this variant (Variation ID: 2856291). Invitae Evidence Modeling of protein sequence and biophysical properties (such as structural, functional, and spatial information, amino acid conservation, physicochemical variation, residue mobility, and thermodynamic stability) indicates that this missense variant is not expected to disrupt TCOF1 protein function with a negative predictive value of 80%. In summary, the available evidence is currently insufficient to determine the role of this variant in disease. Therefore, it has been classified as a Variant of Uncertain Significance.

NM_001371623.1(TCOF1):c.2809G>A (p.Glu937Lys)

Gene: TCOF1 (treacle ribosome biogenesis factor 1; plus strand). Cytogenetic location: 5q32.
Variant type: single nucleotide variant.
Coding change: c.2809G>A on transcript NM_001371623.1 (MANE Select); coding-DNA position 2809, G replaced by A.
Protein change: p.Glu937Lys; replaces glutamic acid 937 with lysine.
Molecular consequence: missense variant.
Genome position (GRCh38, 1-based): chr5:150,379,682, G>A. VCF-style: chr5-150379682-G-A. GRCh37 (hg19) VCF-style: chr5-149759245-G-A.
Other names: c.2578G>A, p.Glu860Lys (NM_000356.4, NM_001135245.2); c.2809G>A, p.Glu937Lys (NM_001008657.3, NM_001135243.2, NM_001135244.2 and 1 more transcripts); c.2809G>A (NM_001135243.1); short protein forms E860K, E937K.
Identifiers: ClinVar variation 2856291 (VCV002856291.5), dbSNP rs372917861, ClinGen allele CA129140050.
Genomic context (GRCh38, chr5:150,379,682, plus strand): 5'-GGGAAGACAGGGCCTTCGGCTGCCCAGGCAGGGAAGCAGGATGACTCAGGGAGCAGCAGC[G>A]AGGAATCAGACAGTGATGGGGAGGCACCGGCAGCTGTGACCTCTGCCCAGGTAAGACTTG-3'
Protein context (NP_001358552.1, residues 927-947): GKQDDSGSSS[Glu937Lys]ESDSDGEAPA